The following is an entry in ClinVar:

ClinVar aggregate classification (germline): Pathogenic (1 of 4 stars; one submission).

Conditions:
Finnish congenital nephrotic syndrome (NPHS1). Also called: NEPHROTIC SYNDROME, TYPE 1. Identifiers: Orphanet 839, MedGen C0403399, MONDO:0009732, OMIM 256300.

Submission:

Myriad Genetics, Inc.
Classification: Pathogenic for Finnish congenital nephrotic syndrome. Last evaluated: 2025-08-27. Review status: criteria provided, single submitter. Criteria: Myriad Autosomal Dominant, Autosomal Recessive and X-Linked Classification Criteria (2023). Collection method: clinical testing. Allele origin: unknown.
Comment: NM_004646.3(NPHS1):c.3098delT(I1033Tfs*110) is expected to be pathogenic in the context of nephrotic syndrome, NPHS1-related. This variant is predicted to lead to an abnormal or absent protein product due to the creation of a premature termination codon in NPHS1, a gene where loss-of-function variants are known to be pathogenic. Please note: this variant was assessed in the context of healthy population screening.

NM_004646.4(NPHS1):c.3098del (p.Ile1033fs)

Gene: NPHS1 (NPHS1 adhesion molecule, nephrin; minus strand). Cytogenetic location: 19q13.12.
Variant type: Deletion.
Coding change: c.3098del on transcript NM_004646.4 (MANE Select); coding-DNA position 3098, one base deleted (T; older notation c.3098delT).
Protein change: p.Ile1033fs; shifts the reading frame from isoleucine 1033.
Molecular consequence: frameshift variant.
Genome position (GRCh38, 1-based): chr19:35,839,248, A deleted on the plus strand (T on the coding strand, the reverse complement: NPHS1 is on the minus strand). VCF-style (leftmost placement, unchanged base first): chr19-35839247-GA-G. GRCh37 (hg19) VCF-style: chr19-36330149-GA-G.
Other names: short protein forms I1033fs.
Identifiers: ClinVar variation 5014920 (VCV005014920.1).